The following is an entry in ClinVar:

NM_002109.6(HARS1):c.1469G>A (p.Arg490Gln)

Gene: HARS1 (histidyl-tRNA synthetase 1; minus strand). Cytogenetic location: 5q31.3.
Variant type: single nucleotide variant.
Coding change: c.1469G>A on transcript NM_002109.6 (MANE Select); coding-DNA position 1469, G replaced by A.
Protein change: p.Arg490Gln; replaces arginine 490 with glutamine.
Molecular consequence: missense variant.
Genome position (GRCh38, 1-based): chr5:140,674,318, C>T on the plus strand (G>A on the coding strand, the complement: HARS1 is on the minus strand). VCF-style: chr5-140674318-C-T. GRCh37 (hg19) VCF-style: chr5-140053903-C-T.
Other names: c.1349G>A, p.Arg450Gln (NM_001258040.3); c.1409G>A, p.Arg470Gln (NM_001258041.3); c.1289G>A, p.Arg430Gln (NM_001258042.3); c.1247G>A, p.Arg416Gln (NM_001289092.2); c.1127G>A, p.Arg376Gln (NM_001289093.2); c.1382G>A, p.Arg461Gln (NM_001289094.2); short protein forms R376Q, R470Q, R430Q, R450Q, R461Q, R490Q, R416Q.
Identifiers: ClinVar variation 860522 (VCV000860522.9), dbSNP rs1295541335, ClinGen allele CA361245717.
Genomic context (GRCh38, chr5:140,674,318, plus strand): 5'-CAGCAGATGCAGAGGGGCTGGCCTGTTCTCCTTTTGATTTCCTCCACAAGGTCTTCTCTT[C>T]GGACATCCACCTGGCCAGGATGGGAGAAGAAGGTGGTATAAGCATCTTCCATTCCACTGC-3'
Protein context (NP_002100.2, residues 480-500): SVTSREEVDV[Arg490Gln]REDLVEEIKR

ClinVar aggregate classification (germline): Uncertain significance (1 of 4 stars; one submission).

Conditions:
Usher syndrome type 3B. Also called: USHER SYNDROME, TYPE IIIB. Identifiers: MedGen C3281066, MONDO:0013788, OMIM 614504.

Allele frequency attached by ClinVar (database versions not stated): gnomAD exomes below 0.00001.
gnomAD v4.1: 2 of 1,610,034 alleles (0.00012%); highest among the groups gnomAD compares: Admixed American, 0.0017%; no homozygotes.

Submission:

Labcorp Genetics (formerly Invitae), Labcorp
Classification: Uncertain significance for Usher syndrome type 3B. Last evaluated: 2023-06-04. Review status: criteria provided, single submitter. Criteria: Invitae Variant Classification Sherloc (09022015). Collection method: clinical testing. Allele origin: germline.
Comment: Advanced modeling of protein sequence and biophysical properties (such as structural, functional, and spatial information, amino acid conservation, physicochemical variation, residue mobility, and thermodynamic stability) performed at Invitae indicates that this missense variant is not expected to disrupt HARS protein function. ClinVar contains an entry for this variant (Variation ID: 860522). This variant has not been reported in the literature in individuals affected with HARS-related conditions. This variant is present in population databases (no rsID available, gnomAD 0.003%). This sequence change replaces arginine, which is basic and polar, with glutamine, which is neutral and polar, at codon 490 of the HARS protein (p.Arg490Gln). In summary, the available evidence is currently insufficient to determine the role of this variant in disease. Therefore, it has been classified as a Variant of Uncertain Significance.